The following is an entry in ClinVar:

NM_000051.4(ATM):c.6596C>G (p.Ser2199Cys)

Genes: ATM (ATM serine/threonine kinase; plus strand), C11orf65 (chromosome 11 open reading frame 65; minus strand). Cytogenetic location: 11q22.3.
Variant type: single nucleotide variant.
Coding change: c.6596C>G on transcript NM_000051.4 (MANE Select); coding-DNA position 6596, C replaced by G.
Protein change: p.Ser2199Cys; replaces serine 2199 with cysteine.
Molecular consequence: missense variant. On other transcripts: intron variant (2).
Genome position (GRCh38, 1-based): chr11:108,325,333, C>G. VCF-style: chr11-108325333-C-G. GRCh37 (hg19) VCF-style: chr11-108196060-C-G.
Other names: c.6596C>G, p.Ser2199Cys (NM_001351834.2); c.641-16262G>C (NM_001330368.2); c.*38+9887G>C (NM_001351110.2); short protein forms S2199C.
Identifiers: ClinVar variation 3451907 (VCV003451907.1).

ClinVar aggregate classification (germline): Uncertain significance (1 of 4 stars; one submission).

Conditions:
Hereditary cancer-predisposing syndrome. Also called: Tumor predisposition; Hereditary Cancer Syndrome; Neoplastic Syndromes, Hereditary; Hereditary neoplastic syndrome. Identifiers: Orphanet 140162, MedGen C0027672, MeSH D009386, MONDO:0015356.

gnomAD v4.1: 2 of 1,597,450 alleles (0.00013%); highest among the groups gnomAD compares: East Asian, 0.0045%; no homozygotes.

Submission:

Ambry Genetics
Classification: Uncertain significance for Hereditary cancer-predisposing syndrome. Last evaluated: 2024-10-13. Review status: criteria provided, single submitter. Criteria: Ambry Variant Classification Scheme 2023. Collection method: clinical testing. Allele origin: germline.
Comment: The p.S2199C variant (also known as c.6596C>G), located in coding exon 45 of the ATM gene, results from a C to G substitution at nucleotide position 6596. The serine at codon 2199 is replaced by cysteine, an amino acid with dissimilar properties. This amino acid position is conserved. In addition, this alteration is predicted to be tolerated by in silico analysis. Based on the available evidence, the clinical significance of this variant remains unclear.